The following is an entry in ClinVar:

NM_001369369.1(FOXN1):c.709G>A (p.Gly237Ser)

Gene: FOXN1 (forkhead box N1; plus strand). Cytogenetic location: 17q11.2.
Variant type: single nucleotide variant.
Coding change: c.709G>A on transcript NM_001369369.1 (MANE Select); coding-DNA position 709, G replaced by A.
Protein change: p.Gly237Ser; replaces glycine 237 with serine.
Molecular consequence: missense variant.
Genome position (GRCh38, 1-based): chr17:28,529,103, G>A. VCF-style: chr17-28529103-G-A. GRCh37 (hg19) VCF-style: chr17-26856121-G-A.
Other names: c.709G>A, p.Gly237Ser (NM_003593.3); short protein forms G237S.
Identifiers: ClinVar variation 322423 (VCV000322423.11), dbSNP rs745321270, ClinGen allele CA8459323.

ClinVar aggregate classification (germline): Uncertain significance. Review status: criteria provided, multiple submitters, no conflicts (2 of 4 stars). 5 submissions from 5 submitters: Uncertain significance (5). Last evaluated 2025-09-17.

Conditions:
FOXN1-related disorder. Also called: FOXN1-related condition.
T-cell immunodeficiency, congenital alopecia, and nail dystrophy. Also called: Congenital alopecia and nail dystrophy associated with severe functional T-cell immunodeficiency; Pignata Guarino syndrome. Identifiers: Orphanet 169095, MedGen C1866426, MONDO:0011132, OMIM 601705.
Inborn genetic diseases. Identifiers: MedGen C0950123, MeSH D030342.

Allele frequency attached by ClinVar (database versions not stated): ExAC 0.00001; gnomAD exomes 0.00002; gnomAD 0.00003; TOPMed 0.00004.
gnomAD v4.1: 10 of 1,614,056 alleles (0.00062%); highest among the groups gnomAD compares: Admixed American, 0.0067%; no homozygotes.

Submissions (5):

PreventionGenetics, part of Exact Sciences
Classification: Uncertain significance for FOXN1-related condition. Last evaluated: 2025-09-17. Review status: criteria provided, single submitter. Criteria: ACMG Guidelines, 2015. Collection method: clinical testing. Allele origin: germline.
Comment: The FOXN1 c.709G>A variant is predicted to result in the amino acid substitution p.Gly237Ser. To our knowledge, this variant has not been reported in the literature. This variant is reported in 0.0062% of alleles in individuals of African descent in gnomAD. At this time, the clinical significance of this variant is uncertain due to the absence of conclusive functional and genetic evidence.

Ambry Genetics
Classification: Uncertain significance for Inborn genetic diseases. Last evaluated: 2025-01-27. Review status: criteria provided, single submitter. Criteria: Ambry Variant Classification Scheme 2023. Collection method: clinical testing. Allele origin: germline.

Blueprint Genetics
Classification: Uncertain significance. Last evaluated: 2024-09-16. Review status: criteria provided, single submitter. Criteria: ACMG Guidelines, 2015. Collection method: clinical testing. Allele origin: germline.

Labcorp Genetics (formerly Invitae), Labcorp
Classification: Uncertain significance for T-cell immunodeficiency, congenital alopecia, and nail dystrophy. Last evaluated: 2024-05-02. Review status: criteria provided, single submitter. Criteria: Invitae Variant Classification Sherloc (09022015). Collection method: clinical testing. Allele origin: germline.
Comment: This sequence change replaces glycine, which is neutral and non-polar, with serine, which is neutral and polar, at codon 237 of the FOXN1 protein (p.Gly237Ser). This variant is present in population databases (rs745321270, gnomAD 0.007%). This variant has not been reported in the literature in individuals affected with FOXN1-related conditions. ClinVar contains an entry for this variant (Variation ID: 322423). Advanced modeling of protein sequence and biophysical properties (such as structural, functional, and spatial information, amino acid conservation, physicochemical variation, residue mobility, and thermodynamic stability) performed at Invitae indicates that this missense variant is not expected to disrupt FOXN1 protein function with a negative predictive value of 80%. In summary, the available evidence is currently insufficient to determine the role of this variant in disease. Therefore, it has been classified as a Variant of Uncertain Significance.

Illumina Laboratory Services, Illumina
Classification: Uncertain significance for T-cell immunodeficiency, congenital alopecia, and nail dystrophy. Last evaluated: 2018-01-13. Review status: criteria provided, single submitter. Criteria: ICSL Variant Classification Criteria 13 December 2019. Collection method: clinical testing. Allele origin: germline.